The following is an entry in ClinVar:

ClinVar aggregate classification (germline): Uncertain significance. Review status: criteria provided, multiple submitters, no conflicts (2 of 4 stars). 6 submissions from 6 submitters: Uncertain significance (3). 3 of the submissions do not count toward it. Last evaluated 2025-01-14.

Conditions:
Cardiovascular phenotype. Identifiers: MedGen CN230736.
CYP27A1-related disorder. Also called: CYP27A1-related condition.
Cholestanol storage disease (CTX). Also called: Cerebrotendinous Xanthomatosis; CEREBRAL CHOLESTERINOSIS; CTX: Cerebrotendinous xanthomatosis. Identifiers: Orphanet 909, MedGen C0238052, MONDO:0008948, OMIM 213700.

Allele frequency attached by ClinVar (database versions not stated): gnomAD exomes 0.00004 and 0.00009; ExAC 0.00007; gnomAD 0.00013 and 0.00015; TOPMed 0.00018.

Submissions (6):

Labcorp Genetics (formerly Invitae), Labcorp
Classification: Uncertain significance for Cholestanol storage disease. Last evaluated: 2025-01-14. Review status: criteria provided, single submitter. Criteria: Invitae Variant Classification Sherloc (09022015). Collection method: clinical testing. Allele origin: germline.
Comment: This sequence change replaces arginine, which is basic and polar, with cysteine, which is neutral and slightly polar, at codon 262 of the CYP27A1 protein (p.Arg262Cys). This variant is present in population databases (rs778371330, gnomAD 0.02%). This missense change has been observed in individual(s) with cerebrotendinous xanthomatosis (PMID: 32581172). ClinVar contains an entry for this variant (Variation ID: 1284558). Invitae Evidence Modeling of protein sequence and biophysical properties (such as structural, functional, and spatial information, amino acid conservation, physicochemical variation, residue mobility, and thermodynamic stability) has been performed for this missense variant. However, the output from this modeling did not meet the statistical confidence thresholds required to predict the impact of this variant on CYP27A1 protein function. In summary, the available evidence is currently insufficient to determine the role of this variant in disease. Therefore, it has been classified as a Variant of Uncertain Significance.

GeneDx
Classification: Uncertain significance. Last evaluated: 2024-09-11. Review status: criteria provided, single submitter. Criteria: GeneDx Variant Classification Process June 2021. Collection method: clinical testing. Allele origin: germline. Affected: yes.
Comment: In silico analysis supports that this missense variant has a deleterious effect on protein structure/function; This variant is associated with the following publications: (PMID: 32581172, Hanson2024[preprint])

Ambry Genetics
Classification: Uncertain significance for Cardiovascular phenotype. Last evaluated: 2021-07-08. Review status: criteria provided, single submitter. Criteria: Ambry Variant Classification Scheme 2023. Collection method: clinical testing. Allele origin: germline.

PreventionGenetics, part of Exact Sciences
Classification: Uncertain significance for CYP27A1-related condition. Last evaluated: 2024-08-21. Review status: no assertion criteria provided. Collection method: clinical testing. Allele origin: germline. Not counted in ClinVar's aggregate classification.
Comment: The CYP27A1 c.784C>T variant is predicted to result in the amino acid substitution p.Arg262Cys. This variant was reported in the compound heterozygous state in an individual with late on-set cerebrotendinous xanthomatosis (Takasone et al. 2020. PubMed ID: 32581172). This variant is reported in 0.015% of alleles in individuals of East Asian descent in gnomAD. At this time, the clinical significance of this variant is uncertain due to the absence of conclusive functional and genetic evidence.

Clinical Genetics DNA and cytogenetics Diagnostics Lab, Erasmus MC, Erasmus Medical Center
Classification: Uncertain significance. Review status: no assertion criteria provided. Collection method: clinical testing. Allele origin: germline. Affected: yes. Study: VKGL Data-share Consensus. Not counted in ClinVar's aggregate classification.

Clinical Genetics, Academic Medical Center
Classification: Uncertain significance. Review status: no assertion criteria provided. Collection method: clinical testing. Allele origin: germline. Affected: yes. Study: VKGL Data-share Consensus. Not counted in ClinVar's aggregate classification.

Literature cited by the submitters: PubMed 32581172 (cited by Labcorp Genetics (formerly Invitae), Labcorp).

NM_000784.4(CYP27A1):c.784C>T (p.Arg262Cys)

Gene: CYP27A1 (cytochrome P450 family 27 subfamily A member 1; plus strand). Cytogenetic location: 2q35.
Variant type: single nucleotide variant.
Coding change: c.784C>T on transcript NM_000784.4 (MANE Select); coding-DNA position 784, C replaced by T.
Protein change: p.Arg262Cys; replaces arginine 262 with cysteine.
Molecular consequence: missense variant.
Genome position (GRCh38, 1-based): chr2:218,812,689, C>T. VCF-style: chr2-218812689-C-T. GRCh37 (hg19) VCF-style: chr2-219677412-C-T.
Other names: c.784C>T (NM_000784.3); short protein forms R262C.
Identifiers: ClinVar variation 1284558 (VCV001284558.10), dbSNP rs778371330, ClinGen allele CA2112713.